The following is an entry in ClinVar:

ClinVar aggregate classification (germline): Likely pathogenic (1 of 4 stars; one submission).

Conditions:
Hereditary insensitivity to pain with anhidrosis (CIPA). Also called: NEUROPATHY, CONGENITAL SENSORY, WITH ANHIDROSIS; NTRK1 Congenital Insensitivity to Pain with Anhidrosis; hereditary sensory and autonomic neuropathy type 4; INSENSITIVITY TO PAIN, CONGENITAL, WITH ANHIDROSIS; FAMILIAL DYSAUTONOMIA, TYPE II; HSAN Type IV. Identifiers: Orphanet 642, MedGen C0020074, MONDO:0009746, OMIM 256800.

Submission:

Women's Health and Genetics/Laboratory Corporation of America, LabCorp
Classification: Likely pathogenic for Hereditary insensitivity to pain with anhidrosis. Last evaluated: 2023-04-04. Review status: criteria provided, single submitter. Criteria: LabCorp Variant Classification Summary - May 2015. Collection method: clinical testing. Allele origin: germline.
Comment: Variant summary: NTRK1 c.758delA (p.Asn253MetfsX11) results in a premature termination codon, predicted to cause a truncation of the encoded protein or absence of the protein due to nonsense mediated decay, which are commonly known mechanisms for disease. Truncations downstream of this position have been classified as pathogenic in ClinVar database. The variant was absent in 250736 control chromosomes (gnomAD). To our knowledge, no occurrence of c.758delA in individuals affected with Hereditary Insensitivity To Pain With Anhidrosis and no experimental evidence demonstrating its impact on protein function have been reported. No clinical diagnostic laboratories have submitted clinical-significance assessments for this variant to ClinVar after 2014. Based on the evidence outlined above, the variant was classified as likely pathogenic.

NM_002529.4(NTRK1):c.758del (p.Asn253fs)

Gene: NTRK1 (neurotrophic receptor tyrosine kinase 1; plus strand). Cytogenetic location: 1q23.1.
Variant type: Deletion.
Coding change: c.758del on transcript NM_002529.4 (MANE Select); coding-DNA position 758, one base deleted (A; older notation c.758delA).
Protein change: p.Asn253fs; shifts the reading frame from asparagine 253.
Molecular consequence: frameshift variant.
Genome position (GRCh38, 1-based): chr1:156,871,663, A deleted; the last of 2 consecutive A bases (chr1:156,871,662-156,871,663); deleting either gives the same sequence. VCF-style (leftmost placement, unchanged base first): chr1-156871661-CA-C. GRCh37 (hg19) VCF-style: chr1-156841453-CA-C.
Other names: c.758delA, p.Asn253Metfs (NM_001007204.1); c.668del, p.Asn223fs (NM_001007792.1); c.758del, p.Asn253fs (NM_001012331.2); short protein forms N223fs, N253fs.
Identifiers: ClinVar variation 2503948 (VCV002503948.1), dbSNP rs2525604589, ClinGen allele CA2580611211.